The following is an entry in ClinVar:

ClinVar aggregate classification (germline): Benign/Likely benign. Review status: criteria provided, multiple submitters, no conflicts (2 of 4 stars). 3 submissions from 3 submitters: Benign (1); Likely benign (2). Last evaluated 2025-05-06.

Conditions:
Renal cell carcinoma. Identifiers: Orphanet 217071, MedGen C0007134, MeSH D002292, MONDO:0005086, HP:0005584.
Hereditary cancer-predisposing syndrome. Also called: Hereditary neoplastic syndrome; Tumor predisposition; Neoplastic Syndromes, Hereditary; Hereditary Cancer Syndrome. Identifiers: Orphanet 140162, MedGen C0027672, MeSH D009386, MONDO:0015356.
Papillary renal cell carcinoma type 1 (RCCP1). Also called: Renal adenocarcinoma; Renal cell carcinoma 1; Renal cell carcinoma, somatic; RENAL CELL CARCINOMA, PAPILLARY, 1, SOMATIC. Identifiers: Orphanet 47044, MedGen C1336839, OMIM 605074, HP:0011797.

Allele frequency attached by ClinVar (database versions not stated): gnomAD exomes below 0.00001 and 0.00001; ExAC 0.00001.
gnomAD v4.1: 2 of 1,603,646 alleles (0.00012%); highest among the groups gnomAD compares: East Asian, 0.0022%; no homozygotes.

Submissions (3):

Labcorp Genetics (formerly Invitae), Labcorp
Classification: Likely benign for Renal cell carcinoma. Last evaluated: 2025-05-06. Review status: criteria provided, single submitter. Criteria: Invitae Variant Classification Sherloc (09022015). Collection method: clinical testing. Allele origin: germline.

Myriad Genetics, Inc.
Classification: Benign for Papillary renal cell carcinoma type 1. Last evaluated: 2024-11-07. Review status: criteria provided, single submitter. Criteria: Myriad Autosomal Dominant, Autosomal Recessive and X-Linked Classification Criteria (2023). Collection method: clinical testing. Allele origin: unknown.
Comment: This variant is considered benign. This variant is a silent/synonymous amino acid change and it is not expected to impact splicing.

Ambry Genetics
Classification: Likely benign for Hereditary cancer-predisposing syndrome. Last evaluated: 2020-09-30. Review status: criteria provided, single submitter. Criteria: Ambry Variant Classification Scheme 2023. Collection method: clinical testing. Allele origin: germline.

NM_000245.4(MET):c.1173A>G (p.Gly391=)

Gene: MET (MET proto-oncogene, receptor tyrosine kinase; plus strand). Cytogenetic location: 7q31.2.
Variant type: single nucleotide variant.
Coding change: c.1173A>G on transcript NM_000245.4 (MANE Select); coding-DNA position 1173, A replaced by G.
Protein change: p.Gly391=; no amino-acid change (glycine 391 retained).
Molecular consequence: synonymous variant. On other transcripts: intron variant (1).
Genome position (GRCh38, 1-based): chr7:116,700,257, A>G. VCF-style: chr7-116700257-A-G. GRCh37 (hg19) VCF-style: chr7-116340311-A-G.
Other names: c.1173A>G, p.Gly391= (NM_001127500.3, NM_001324401.3); c.-91+27680A>G (NM_001324402.2).
Identifiers: ClinVar variation 1548778 (VCV001548778.11), dbSNP rs753309112, ClinGen allele CA4448080.